The following is an entry in ClinVar:

NM_001105206.3(LAMA4):c.4665+2T>A

Gene: LAMA4 (laminin subunit alpha 4; minus strand). Cytogenetic location: 6q21.
Variant type: single nucleotide variant.
Coding change: c.4665+2T>A on transcript NM_001105206.3 (MANE Select); the canonical splice donor site of the intron after coding-DNA position 4665, T replaced by A.
Molecular consequence: splice donor variant.
Genome position (GRCh38, 1-based): chr6:112,120,281, A>T on the plus strand (T>A on the coding strand, the complement: LAMA4 is on the minus strand). VCF-style: chr6-112120281-A-T. GRCh37 (hg19) VCF-style: chr6-112441484-A-T.
Other names: c.4644+2T>A (NM_002290.5, NM_001105207.3).
Identifiers: ClinVar variation 1742133 (VCV001742133.3), dbSNP rs1166358612, ClinGen allele CA365368984.

ClinVar aggregate classification (germline): Uncertain significance (1 of 4 stars; one submission).

Conditions:
Cardiovascular phenotype. Identifiers: MedGen CN230736.

Allele frequency attached by ClinVar (database versions not stated): gnomAD exomes below 0.00001.
gnomAD v4.1: 3 of 1,612,786 alleles (0.00019%); highest among the groups gnomAD compares: Non-Finnish European, 0.00025%; no homozygotes.

Submission:

Ambry Genetics
Classification: Uncertain significance for Cardiovascular phenotype. Last evaluated: 2026-08-27. Review status: criteria provided, single submitter. Criteria: Ambry Variant Classification Scheme 2023. Collection method: clinical testing. Allele origin: germline.
Comment: The c.4644+2T>A intronic variant results from a T to A substitution two nucleotides after coding exon 32 in the LAMA4 gene. This nucleotide position is highly conserved in available vertebrate species. In silico splice site analysis predicts that this alteration will weaken the native splice donor site. The evidence for this gene-disease relationship is limited; therefore, the clinical significance of this variant is unclear.